The following is an entry in ClinVar:

ClinVar aggregate classification (germline): Benign/Likely benign. Review status: criteria provided, multiple submitters, no conflicts (2 of 4 stars). 3 submissions from 3 submitters: Benign (1); Likely benign (1). 1 of the submissions does not count toward it. Last evaluated 2024-08-30.

Conditions:
HERC2-related disorder. Also called: HERC2-related condition.

Allele frequency attached by ClinVar (database versions not stated): gnomAD exomes 0.00122; ExAC 0.00317; 1000 Genomes Project 0.00379; 1000 Genomes Project 30x 0.00453; gnomAD 0.00532 and 0.00587; ESP Exome Variant Server 0.00559; TOPMed 0.00641.
gnomAD v4.1: 1,565 of 1,541,580 alleles (0.1%); highest among the groups gnomAD compares: African/African-American, 2%; 5 homozygotes.

Submissions (3):

Blueprint Genetics
Classification: Likely benign. Last evaluated: 2024-08-30. Review status: criteria provided, single submitter. Criteria: ACMG Guidelines, 2015. Collection method: clinical testing. Allele origin: germline.

Labcorp Genetics (formerly Invitae), Labcorp
Classification: Benign. Last evaluated: 2019-12-31. Review status: criteria provided, single submitter. Criteria: Invitae Variant Classification Sherloc (09022015). Collection method: clinical testing. Allele origin: germline.

PreventionGenetics, part of Exact Sciences
Classification: Benign for HERC2-related condition. Last evaluated: 2024-07-30. Review status: no assertion criteria provided. Collection method: clinical testing. Allele origin: germline. Not counted in ClinVar's aggregate classification.
Comment: This variant is classified as benign based on ACMG/AMP sequence variant interpretation guidelines (Richards et al. 2015 PMID: 25741868, with internal and published modifications).

NM_004667.6(HERC2):c.10900+10C>T

Gene: HERC2 (HECT and RLD domain containing E3 ubiquitin protein ligase 2; minus strand). Cytogenetic location: 15q13.1.
Variant type: single nucleotide variant.
Coding change: c.10900+10C>T on transcript NM_004667.6 (MANE Select); 10 bases into the intron after coding-DNA position 10900, C replaced by T.
Molecular consequence: intron variant.
Genome position (GRCh38, 1-based): chr15:28,152,667, G>A on the plus strand (C>T on the coding strand, the complement: HERC2 is on the minus strand). VCF-style: chr15-28152667-G-A. GRCh37 (hg19) VCF-style: chr15-28397813-G-A.
Identifiers: ClinVar variation 708837 (VCV000708837.6), dbSNP rs148040734, ClinGen allele CA7440737.